The following is an entry in ClinVar:

ClinVar aggregate classification (germline): Pathogenic (1 of 4 stars; one submission).

Allele frequency attached by ClinVar (database versions not stated): TOPMed below 0.00001; gnomAD 0.00001; 1000 Genomes Project 30x 0.00016.
gnomAD v4.1: 2 of 1,541,890 alleles (0.00013%); highest among the groups gnomAD compares: African/African-American, 0.0014%; no homozygotes.

Submission:

Labcorp Genetics (formerly Invitae), Labcorp
Classification: Pathogenic. Last evaluated: 2024-10-24. Review status: criteria provided, single submitter. Criteria: Invitae Variant Classification Sherloc (09022015). Collection method: clinical testing. Allele origin: germline.
Comment: This sequence change creates a premature translational stop signal (p.Gln1093*) in the COL18A1 gene. It is expected to result in an absent or disrupted protein product. Loss-of-function variants in COL18A1 are known to be pathogenic (PMID: 12415512, 25456301). This variant is not present in population databases (gnomAD no frequency). This premature translational stop signal has been observed in individual(s) with Knobloch syndrome (PMID: 12415512). ClinVar contains an entry for this variant (Variation ID: 1929557). For these reasons, this variant has been classified as Pathogenic.

Literature cited by the submitters: PubMed 12415512; PubMed 25456301.

NM_001379500.1(COL18A1):c.3286C>T (p.Gln1096Ter)

Genes: COL18A1 (collagen type XVIII alpha 1 chain; plus strand), SLC19A1 (solute carrier family 19 member 1; minus strand). Cytogenetic location: 21q22.3.
Variant type: single nucleotide variant.
Coding change: c.3286C>T on transcript NM_001379500.1 (MANE Select); coding-DNA position 3286, C replaced by T.
Protein change: p.Gln1096Ter; replaces glutamine 1096 with a stop codon.
Molecular consequence: nonsense.
Genome position (GRCh38, 1-based): chr21:45,509,392, C>T. VCF-style: chr21-45509392-C-T. GRCh37 (hg19) VCF-style: chr21-46929306-C-T.
Other names: c.3817C>T, p.Gln1273Ter (NM_030582.4); c.4522C>T, p.Gln1508Ter (NM_130444.3); short protein forms Q1096*, Q1273*, Q1508*.
Identifiers: ClinVar variation 1929557 (VCV001929557.5), dbSNP rs2037437436, ClinGen allele CA410500604.